The following is an entry in ClinVar:

NM_001364905.1(LRBA):c.3514C>A (p.Gln1172Lys)

Gene: LRBA (LPS responsive beige-like anchor protein; minus strand). Cytogenetic location: 4q31.3.
Variant type: single nucleotide variant.
Coding change: c.3514C>A on transcript NM_001364905.1 (MANE Select); coding-DNA position 3514, C replaced by A.
Protein change: p.Gln1172Lys; replaces glutamine 1172 with lysine.
Molecular consequence: missense variant.
Genome position (GRCh38, 1-based): chr4:150,852,196, G>T on the plus strand (C>A on the coding strand, the complement: LRBA is on the minus strand). VCF-style: chr4-150852196-G-T. GRCh37 (hg19) VCF-style: chr4-151773348-G-T.
Other names: c.3514C>A, p.Gln1172Lys (NM_006726.5, NM_001199282.3, NM_001367550.1); short protein forms Q1172K.
Identifiers: ClinVar variation 2058663 (VCV002058663.4), dbSNP rs761393717, ClinGen allele CA358456882.
Genomic context (GRCh38, chr4:150,852,196, plus strand): 5'-GTGACATAGCTGAAGACCCTGATGCTGTCATAGTCTGAATTCCAGAATCTTTAGAATCTT[G>T]AGTTTCAGTATCAGTTTGCTTTTCAGTAACAGGTTTTCCTTCTTGAAATATTAATTTGTC-3'
Protein context (NP_001351834.1, residues 1162-1182): VTEKQTDTET[Gln1172Lys]DSKDSGIQTM

ClinVar aggregate classification (germline): Uncertain significance (1 of 4 stars; one submission).

Conditions:
Combined immunodeficiency due to LRBA deficiency. Also called: Common variable immunodeficiency 8, with autoimmunity. Identifiers: Orphanet 445018, MedGen C3553512, MONDO:0013863, OMIM 614700.

Allele frequency attached by ClinVar (database versions not stated): gnomAD exomes below 0.00001.
gnomAD v4.1: 1 of 1,614,110 alleles (0.000062%); highest among the groups gnomAD compares: Middle Eastern, 0.016%; no homozygotes.

Submission:

Labcorp Genetics (formerly Invitae), Labcorp
Classification: Uncertain significance for Combined immunodeficiency due to LRBA deficiency. Last evaluated: 2021-12-24. Review status: criteria provided, single submitter. Criteria: Invitae Variant Classification Sherloc (09022015). Collection method: clinical testing. Allele origin: germline.
Comment: This sequence change replaces glutamine, which is neutral and polar, with lysine, which is basic and polar, at codon 1172 of the LRBA protein (p.Gln1172Lys). This variant is not present in population databases (gnomAD no frequency). This variant has not been reported in the literature in individuals affected with LRBA-related conditions. Algorithms developed to predict the effect of missense changes on protein structure and function (SIFT, PolyPhen-2, Align-GVGD) all suggest that this variant is likely to be tolerated. In summary, the available evidence is currently insufficient to determine the role of this variant in disease. Therefore, it has been classified as a Variant of Uncertain Significance.